The following is an entry in ClinVar:

NM_001005361.3(DNM2):c.385+12G>A

Gene: DNM2 (dynamin 2; plus strand). Cytogenetic location: 19p13.2.
Variant type: single nucleotide variant.
Coding change: c.385+12G>A on transcript NM_001005361.3 (MANE Select); 12 bases into the intron after coding-DNA position 385, G replaced by A.
Molecular consequence: intron variant.
Genome position (GRCh38, 1-based): chr19:10,772,640, G>A. VCF-style: chr19-10772640-G-A. GRCh37 (hg19) VCF-style: chr19-10883316-G-A.
Other names: c.385+12G>A (NM_001005360.3, NM_001190716.2, NM_004945.4 and 1 more transcripts).
Identifiers: ClinVar variation 1943089 (VCV001943089.6), dbSNP rs373215514, ClinGen allele CA9200774.

ClinVar aggregate classification (germline): Uncertain significance (1 of 4 stars; one submission).

Conditions:
Charcot-Marie-Tooth disease dominant intermediate B (CMTDIB). Also called: CHARCOT-MARIE-TOOTH NEUROPATHY, DOMINANT INTERMEDIATE B; Charcot-Marie-Tooth disease dominant intermediate 1; CMT DI1; Charcot-Marie-Tooth disease dominant intermediate I. Identifiers: Orphanet 100044, Orphanet 228179, MedGen C1847902, MONDO:0011674, OMIM 606482.

Allele frequency attached by ClinVar (database versions not stated): gnomAD exomes 0.00001; gnomAD 0.00002; ExAC 0.00003; TOPMed 0.00004; ESP Exome Variant Server 0.00015.
gnomAD v4.1: 14 of 1,613,842 alleles (0.00087%); highest among the groups gnomAD compares: East Asian, 0.0022%; no homozygotes.

Submissions (2):

Labcorp Genetics (formerly Invitae), Labcorp
Classification: Uncertain significance for Charcot-Marie-Tooth disease dominant intermediate B. Last evaluated: 2025-11-23. Review status: criteria provided, single submitter. Criteria: Invitae Variant Classification Sherloc (09022015). Collection method: clinical testing. Allele origin: germline.
Comment: This sequence change falls in intron 3 of the DNM2 gene. It does not directly change the encoded amino acid sequence of the DNM2 protein. This variant is present in population databases (rs373215514, gnomAD 0.007%). This variant has not been reported in the literature in individuals affected with DNM2-related conditions. ClinVar contains an entry for this variant (Variation ID: 1943089). Algorithms developed to predict the effect of sequence changes on RNA splicing suggest that this variant may create or strengthen a splice site. In summary, the available evidence is currently insufficient to determine the role of this variant in disease. Therefore, it has been classified as a Variant of Uncertain Significance.

Dr. Peter K. Rogan Lab, Western University
No classification provided (evidence only). Condition: Acute myeloid leukemia. Review status: no classification provided. Collection method: in vitro. Allele origin: not applicable. Functional consequence: cryptic splice site. Not counted in ClinVar's aggregate classification.